The following is an entry in ClinVar:

NM_020884.7(MYH7B):c.4325C>T (p.Ala1442Val)

Gene: MYH7B (myosin heavy chain 7B; plus strand). Cytogenetic location: 20q11.22.
Variant type: single nucleotide variant.
Coding change: c.4325C>T on transcript NM_020884.7 (MANE Select); coding-DNA position 4325, C replaced by T.
Protein change: p.Ala1442Val; replaces alanine 1442 with valine.
Molecular consequence: missense variant.
Genome position (GRCh38, 1-based): chr20:34,999,190, C>T. VCF-style: chr20-34999190-C-T. GRCh37 (hg19) VCF-style: chr20-33586993-C-T.
Other names: short protein forms A1442V.
Identifiers: ClinVar variation 1949157 (VCV001949157.5), dbSNP rs761293876, ClinGen allele CA9828072.

ClinVar aggregate classification (germline): Uncertain significance (1 of 4 stars; one submission).

Allele frequency attached by ClinVar (database versions not stated): gnomAD exomes 0.00001; TOPMed 0.00001; ExAC 0.00003; gnomAD 0.00003.
gnomAD v4.1: 18 of 1,613,050 alleles (0.0011%); highest among the groups gnomAD compares: African/African-American, 0.0053%; no homozygotes.

Submission:

Labcorp Genetics (formerly Invitae), Labcorp
Classification: Uncertain significance. Last evaluated: 2022-07-14. Review status: criteria provided, single submitter. Criteria: Invitae Variant Classification Sherloc (09022015). Collection method: clinical testing. Allele origin: germline.
Comment: In summary, the available evidence is currently insufficient to determine the role of this variant in disease. Therefore, it has been classified as a Variant of Uncertain Significance. Algorithms developed to predict the effect of missense changes on protein structure and function (SIFT, PolyPhen-2, Align-GVGD) all suggest that this variant is likely to be disruptive. This variant has not been reported in the literature in individuals affected with MYH7B-related conditions. This variant is present in population databases (rs761293876, gnomAD 0.006%). This sequence change replaces alanine, which is neutral and non-polar, with valine, which is neutral and non-polar, at codon 1484 of the MYH7B protein (p.Ala1484Val).